The following is an entry in ClinVar:

NM_001146079.2(CLDN14):c.444C>T (p.Tyr148=)

Genes: CLDN14-AS1 (CLDN14 antisense RNA 1; plus strand), CLDN14 (claudin 14; minus strand). Cytogenetic location: 21q22.13.
Variant type: single nucleotide variant.
Coding change: c.444C>T on transcript NM_001146079.2 (MANE Select); coding-DNA position 444, C replaced by T.
Protein change: p.Tyr148=; no amino-acid change (tyrosine 148 retained).
Molecular consequence: synonymous variant.
Genome position (GRCh38, 1-based): chr21:36,461,252, G>A on the plus strand (C>T on the coding strand, the complement: CLDN14 is on the minus strand). VCF-style: chr21-36461252-G-A. GRCh37 (hg19) VCF-style: chr21-37833550-G-A.
Other names: c.444C>T, p.Tyr148= (NM_001146077.2, NM_001146078.3, NM_012130.4 and 1 more transcripts).
Identifiers: ClinVar variation 4984602 (VCV004984602.1).

ClinVar aggregate classification (germline): Likely benign (1 of 4 stars; one submission).

Conditions:
CLDN14-related disorder. Also called: CLDN14-related condition.

gnomAD v4.1: 11 of 1,613,980 alleles (0.00068%); highest among the groups gnomAD compares: Admixed American, 0.005%; no homozygotes.

Submission:

PreventionGenetics, part of Exact Sciences
Classification: Likely benign for CLDN14-related condition. Last evaluated: 2026-07-22. Review status: criteria provided, single submitter. Criteria: ACMG Guidelines, 2015. Collection method: clinical testing. Allele origin: germline.
Comment: This variant is classified as likely benign based on ACMG/AMP sequence variant interpretation guidelines (Richards et al. 2015 PMID: 25741868, with internal and published modifications).